The following is an entry in ClinVar:

NM_001142569.3(INAVA):c.1644G>A (p.Gln548=)

Gene: INAVA (innate immunity activator; plus strand). Cytogenetic location: 1q32.1.
Variant type: single nucleotide variant.
Coding change: c.1644G>A on transcript NM_001142569.3 (MANE Select); coding-DNA position 1644, G replaced by A.
Protein change: p.Gln548=; no amino-acid change (glutamine 548 retained).
Molecular consequence: synonymous variant. On other transcripts: intron variant (1).
Genome position (GRCh38, 1-based): chr1:200,912,137, G>A. VCF-style: chr1-200912137-G-A. GRCh37 (hg19) VCF-style: chr1-200881265-G-A.
Other names: c.1107G>A, p.Gln369= (NM_001367290.1); c.1899G>A, p.Gln633= (NM_018265.4); c.1584+60G>A (NM_001367289.1).
Identifiers: ClinVar variation 4056795 (VCV004056795.1).

ClinVar aggregate classification (germline): Uncertain significance (1 of 4 stars; one submission).

Conditions:
Inflammatory bowel disease 29. Identifiers: MedGen C4748083, MONDO:0054849, OMIM 618077.

Submission:

Laboratorio de Genetica e Diagnostico Molecular, Hospital Israelita Albert Einstein
Classification: Uncertain significance for Inflammatory bowel disease 29. Last evaluated: 2023-12-11. Review status: criteria provided, single submitter. Criteria: ACMG Guidelines, 2015. Collection method: clinical testing. Allele origin: germline. Affected: yes.
Comment: ACMG classification criteria: PM2 moderate, PP3 supporting